The following is an entry in ClinVar:

ClinVar aggregate classification (germline): Pathogenic (1 of 4 stars; one submission).

Submission:

Labcorp Genetics (formerly Invitae), Labcorp
Classification: Pathogenic. Last evaluated: 2022-07-30. Review status: criteria provided, single submitter. Criteria: Invitae Variant Classification Sherloc (09022015). Collection method: clinical testing. Allele origin: germline.
Comment: This sequence change creates a premature translational stop signal (p.Lys285Asnfs*8) in the SLC26A5 gene. It is expected to result in an absent or disrupted protein product. Loss-of-function variants in SLC26A5 are known to be pathogenic (PMID: 12239568, 24164807). For these reasons, this variant has been classified as Pathogenic. This variant has not been reported in the literature in individuals affected with SLC26A5-related conditions. This variant is not present in population databases (gnomAD no frequency).

Literature cited by the submitters: PubMed 12239568; PubMed 24164807.

NM_198999.3(SLC26A5):c.855del (p.Lys285fs)

Gene: SLC26A5 (solute carrier family 26 member 5; minus strand). Cytogenetic location: 7q22.1.
Variant type: Deletion.
Coding change: c.855del on transcript NM_198999.3 (MANE Select); coding-DNA position 855, one base deleted (A; older notation c.855delA).
Protein change: p.Lys285fs; shifts the reading frame from lysine 285.
Molecular consequence: frameshift variant. On other transcripts: non-coding transcript variant (5).
Genome position (GRCh38, 1-based): chr7:103,407,884, T deleted on the plus strand (A on the coding strand, the reverse complement: SLC26A5 is on the minus strand); the first of 3 consecutive T bases (chr7:103,407,884-103,407,886); deleting any one gives the same sequence. VCF-style (leftmost placement, unchanged base first): chr7-103407883-AT-A. GRCh37 (hg19) VCF-style: chr7-103048330-AT-A.
Other names: c.855del, p.Lys285fs (NM_001167962.2, NM_001321787.2, NM_206883.3 and 2 more transcripts); short protein forms K285fs.
Identifiers: ClinVar variation 2020423 (VCV002020423.4), dbSNP rs1824180998, ClinGen allele CA1105306786.
Genomic context (GRCh38, chr7:103,407,883, plus strand): 5'-AGTAGGTCACTGACCGAAGGTGACTTACCGCAAAGAACTCTAAAGGAATAGGCGCCGGCA[AT>A]TTCTCTTTAAATCTCTCATTAAACTCCTTGCCACCCAACAGCAAACCAAAAACCATCAGC-3'